The following is an entry in ClinVar:

NM_020436.5(SALL4):c.2803A>G (p.Ile935Val)

Gene: SALL4 (spalt like transcription factor 4; minus strand). Cytogenetic location: 20q13.2.
Variant type: single nucleotide variant.
Coding change: c.2803A>G on transcript NM_020436.5 (MANE Select); coding-DNA position 2803, A replaced by G.
Protein change: p.Ile935Val; replaces isoleucine 935 with valine.
Molecular consequence: missense variant.
Genome position (GRCh38, 1-based): chr20:51,784,624, T>C on the plus strand (A>G on the coding strand, the complement: SALL4 is on the minus strand). VCF-style: chr20-51784624-T-C. GRCh37 (hg19) VCF-style: chr20-50401163-T-C.
Other names: c.1492A>G, p.Ile498Val (NM_001318031.2); short protein forms I498V, I935V.
Identifiers: ClinVar variation 2682463 (VCV002682463.1), dbSNP rs760412957, ClinGen allele CA9911997.

ClinVar aggregate classification (germline): Uncertain significance (1 of 4 stars; one submission).

Allele frequency attached by ClinVar (database versions not stated): ExAC 0.00001.

Submission:

Women's Health and Genetics/Laboratory Corporation of America, LabCorp
Classification: Uncertain significance. Last evaluated: 2023-11-10. Review status: criteria provided, single submitter. Criteria: LabCorp Variant Classification Summary - May 2015. Collection method: clinical testing. Allele origin: germline.
Comment: Variant summary: SALL4 c.2803A>G (p.Ile935Val) results in a conservative amino acid change in the encoded protein sequence. Four of five in-silico tools predict a benign effect of the variant on protein function. The variant allele was found at a frequency of 4e-06 in 251494 control chromosomes (gnomAD). The available data on variant occurrences in the general population are insufficient to allow any conclusion about variant significance. To our knowledge, no occurrence of c.2803A>G in individuals affected with SALL4-Related Disorders and no experimental evidence demonstrating its impact on protein function have been reported. No submitters have cited clinical-significance assessments for this variant to ClinVar after 2014. Based on the evidence outlined above, the variant was classified as uncertain significance.